The following is an entry in ClinVar:

ClinVar aggregate classification (germline): Benign. Review status: criteria provided, multiple submitters, no conflicts (2 of 4 stars). 2 submissions from 2 submitters: Benign (2). Last evaluated 2018-01-13.

Conditions:
Isovaleryl-CoA dehydrogenase deficiency (IVA). Also called: ISOVALERIC ACID CoA DEHYDROGENASE DEFICIENCY; IVD DEFICIENCY; Isovaleric acidemia; Classic Isovaleric Acidemia. Identifiers: Orphanet 33, MedGen C0268575, MONDO:0009475, OMIM 243500.

Allele frequency attached by ClinVar (database versions not stated): 1000 Genomes Project 0.04273; 1000 Genomes Project 30x 0.04560; TOPMed 0.08132; gnomAD 0.08705 and 0.08940; gnomAD exomes 0.12181.
gnomAD v4.1: 114,199 of 985,416 alleles (12%); highest among the groups gnomAD compares: Non-Finnish European, 13%; 6,973 homozygotes.

Submissions (2):

Illumina Laboratory Services, Illumina
Classification: Benign for Isovaleryl-CoA dehydrogenase deficiency. Last evaluated: 2018-01-13. Review status: criteria provided, single submitter. Criteria: ICSL Variant Classification Criteria 13 December 2019. Collection method: clinical testing. Allele origin: germline.
Comment: This variant was observed in the ICSL laboratory as part of a predisposition screen in an ostensibly healthy population. It had not been previously curated by ICSL or reported in the Human Gene Mutation Database (HGMD: prior to June 1st, 2018), and was therefore a candidate for classification through an automated scoring system. Utilizing variant allele frequency, disease prevalence and penetrance estimates, and inheritance mode, an automated score was calculated to assess if this variant is too frequent to cause the disease. Based on the score and internal cut-off values, a variant classified as benign is not then subjected to further curation. The score for this variant resulted in a classification of benign for this disease.

Breakthrough Genomics
Classification: Benign. Review status: criteria provided, single submitter. Criteria: ACMG Guidelines, 2015. Collection method: not provided. Allele origin: germline. Inheritance: Autosomal recessive inheritance. Affected: yes.

NM_002225.5(IVD):c.*2912G>A

Gene: IVD (isovaleryl-CoA dehydrogenase; plus strand). Cytogenetic location: 15q15.1.
Variant type: single nucleotide variant.
Coding change: c.*2912G>A on transcript NM_002225.5 (MANE Select); 2912 bases downstream of the stop codon, G replaced by A.
Molecular consequence: 3 prime UTR variant. On other transcripts: intron variant (3).
Genome position (GRCh38, 1-based): chr15:40,421,175, G>A. VCF-style: chr15-40421175-G-A. GRCh37 (hg19) VCF-style: chr15-40713374-G-A.
Other names: c.*2912G>A (NM_001159508.3, NM_001354597.3, NM_001354599.3); c.1226-2960G>A (NM_001354600.3); c.1139-2960G>A (NM_001354598.3); c.1138+4813G>A (NM_001354601.3).
Identifiers: ClinVar variation 315836 (VCV000315836.6), dbSNP rs11557072, ClinGen allele CA10645853.